The following is an entry in ClinVar:

NM_001351132.2(PEX5):c.218C>G (p.Pro73Arg)

Gene: PEX5 (peroxisomal biogenesis factor 5; plus strand). Cytogenetic location: 12p13.31.
Variant type: single nucleotide variant.
Coding change: c.218C>G on transcript NM_001351132.2 (MANE Select); coding-DNA position 218, C replaced by G.
Protein change: p.Pro73Arg; replaces proline 73 with arginine.
Molecular consequence: missense variant.
Genome position (GRCh38, 1-based): chr12:7,191,260, C>G. VCF-style: chr12-7191260-C-G. GRCh37 (hg19) VCF-style: chr12-7343856-C-G.
Other names: c.218C>G, p.Pro73Arg (NM_000319.5, NM_001131024.2, NM_001131025.2 and 19 more transcripts); c.263C>G, p.Pro88Arg (NM_001131023.2, NM_001351135.3, NM_001351138.2); short protein forms P88R, P73R.
Identifiers: ClinVar variation 1908705 (VCV001908705.2), dbSNP rs1224552400, ClinGen allele CA383710870.

ClinVar aggregate classification (germline): Uncertain significance (1 of 4 stars; one submission).

Conditions:
Peroxisome biogenesis disorder 2B (PBD2B). Identifiers: Orphanet 44, MedGen C3550234, MONDO:0008736, OMIM 202370.

gnomAD v4.1: 7 of 1,614,092 alleles (0.00043%); highest among the groups gnomAD compares: Non-Finnish European, 0.00059%; no homozygotes.

Submission:

Labcorp Genetics (formerly Invitae), Labcorp
Classification: Uncertain significance for Peroxisome biogenesis disorder 2B. Last evaluated: 2022-10-13. Review status: criteria provided, single submitter. Criteria: Invitae Variant Classification Sherloc (09022015). Collection method: clinical testing. Allele origin: germline.
Comment: This sequence change replaces proline, which is neutral and non-polar, with arginine, which is basic and polar, at codon 73 of the PEX5 protein (p.Pro73Arg). This variant is present in population databases (no rsID available, gnomAD 0.0009%). This variant has not been reported in the literature in individuals affected with PEX5-related conditions. Algorithms developed to predict the effect of missense changes on protein structure and function are either unavailable or do not agree on the potential impact of this missense change (SIFT: "Deleterious"; PolyPhen-2: "Benign"; Align-GVGD: "Class C0"). Algorithms developed to predict the effect of sequence changes on RNA splicing suggest that this variant may disrupt the consensus splice site. In summary, the available evidence is currently insufficient to determine the role of this variant in disease. Therefore, it has been classified as a Variant of Uncertain Significance.